The following is an entry in ClinVar:

NM_006922.4(SCN3A):c.4807+6A>G

Gene: SCN3A (sodium voltage-gated channel alpha subunit 3; minus strand). Cytogenetic location: 2q24.3.
Variant type: single nucleotide variant.
Coding change: c.4807+6A>G on transcript NM_006922.4 (MANE Select); 6 bases into the intron after coding-DNA position 4807, A replaced by G.
Molecular consequence: intron variant.
Genome position (GRCh38, 1-based): chr2:165,092,248, T>C on the plus strand (A>G on the coding strand, the complement: SCN3A is on the minus strand). VCF-style: chr2-165092248-T-C. GRCh37 (hg19) VCF-style: chr2-165948758-T-C.
Other names: c.4660+6A>G (NM_001081676.2, NM_001081677.2).
Identifiers: ClinVar variation 2019609 (VCV002019609.4), dbSNP rs1685141674, ClinGen allele CA1038765432.

ClinVar aggregate classification (germline): Uncertain significance (1 of 4 stars; one submission).

Allele frequency attached by ClinVar (database versions not stated): gnomAD exomes below 0.00001; gnomAD 0.00001.
gnomAD v4.1: 6 of 1,613,580 alleles (0.00037%); highest among the groups gnomAD compares: Non-Finnish European, 0.00051%; no homozygotes.

Submission:

Labcorp Genetics (formerly Invitae), Labcorp
Classification: Uncertain significance. Last evaluated: 2023-09-13. Review status: criteria provided, single submitter. Criteria: Invitae Variant Classification Sherloc (09022015). Collection method: clinical testing. Allele origin: germline.
Comment: In summary, the available evidence is currently insufficient to determine the role of this variant in disease. Therefore, it has been classified as a Variant of Uncertain Significance. Variants that disrupt the consensus splice site are a relatively common cause of aberrant splicing (PMID: 17576681, 9536098). Algorithms developed to predict the effect of sequence changes on RNA splicing suggest that this variant is not likely to affect RNA splicing. ClinVar contains an entry for this variant (Variation ID: 2019609). This variant has not been reported in the literature in individuals affected with SCN3A-related conditions. This variant is not present in population databases (gnomAD no frequency). This sequence change falls in intron 27 of the SCN3A gene. It does not directly change the encoded amino acid sequence of the SCN3A protein. It affects a nucleotide within the consensus splice site.

Literature cited by the submitters: PubMed 17576681; PubMed 9536098.